The following is an entry in ClinVar:

NM_001128626.2(SPIRE1):c.222C>T (p.Arg74=)

Genes: SPIRE1 (spire type actin nucleation factor 1; minus strand), LOC130062200 (ATAC-STARR-seq lymphoblastoid silent region 9315; plus strand). Cytogenetic location: 18p11.21.
Variant type: single nucleotide variant.
Coding change: c.222C>T on transcript NM_001128626.2 (MANE Select); coding-DNA position 222, C replaced by T.
Protein change: p.Arg74=; no amino-acid change (arginine 74 retained).
Molecular consequence: synonymous variant. On other transcripts: intron variant (1).
Genome position (GRCh38, 1-based): chr18:12,657,645, G>A on the plus strand (C>T on the coding strand, the complement: SPIRE1 is on the minus strand). VCF-style: chr18-12657645-G-A. GRCh37 (hg19) VCF-style: chr18-12657644-G-A.
Other names: c.222C>T, p.Arg74= (NM_020148.3); c.13+3696C>T (NM_001394323.1).
Identifiers: ClinVar variation 2648602 (VCV002648602.24), dbSNP rs764838304, ClinGen allele CA8897652.

ClinVar aggregate classification (germline): Likely benign (1 of 4 stars; one submission).

Allele frequency attached by ClinVar (database versions not stated): TOPMed 0.00054; gnomAD exomes 0.00055; gnomAD 0.00111; ExAC 0.00157; 1000 Genomes Project 30x 0.00172.
gnomAD v4.1: 803 of 1,318,932 alleles (0.061%); highest among the groups gnomAD compares: East Asian, 1.3%; 5 homozygotes.

Submission:

CeGaT Center for Human Genetics Tuebingen
Classification: Likely benign. Last evaluated: 2023-01-01. Review status: criteria provided, single submitter. Criteria: CeGaT Center For Human Genetics Tuebingen Variant Classification Criteria Version 2. Collection method: clinical testing. Allele origin: germline. Affected: yes. Observed: 1 variant allele.
Comment: SPIRE1: BP4, BP7